The following is an entry in ClinVar:

ClinVar aggregate classification (germline): Uncertain significance (1 of 4 stars; one submission).

Conditions:
Deficiency of aromatic-L-amino-acid decarboxylase. Also called: Aromatic amino acid decarboxylase deficiency; Aromatic L-Amino Acid Decarboxylase Deficiency; AADC DEFICIENCY; DDC DEFICIENCY; DOPA DECARBOXYLASE DEFICIENCY. Identifiers: Orphanet 35708, MedGen C1291564, MONDO:0012084, OMIM 608643.

Allele frequency attached by ClinVar (database versions not stated): gnomAD exomes 0.00001; ExAC 0.00002; TOPMed 0.00002; gnomAD 0.00003 and 0.00004; ESP Exome Variant Server 0.00023.
gnomAD v4.1: 22 of 1,614,058 alleles (0.0014%); highest among the groups gnomAD compares: African/African-American, 0.0027%; no homozygotes.

Submission:

Labcorp Genetics (formerly Invitae), Labcorp
Classification: Uncertain significance for Deficiency of aromatic-L-amino-acid decarboxylase. Last evaluated: 2021-07-21. Review status: criteria provided, single submitter. Criteria: Invitae Variant Classification Sherloc (09022015). Collection method: clinical testing. Allele origin: germline.
Comment: This variant has not been reported in the literature in individuals with DDC-related conditions. This variant is present in population databases (rs372970018, ExAC 0.003%). This sequence change replaces tryptophan with cysteine at codon 464 of the DDC protein (p.Trp464Cys). The tryptophan residue is highly conserved and there is a large physicochemical difference between tryptophan and cysteine. In summary, the available evidence is currently insufficient to determine the role of this variant in disease. Therefore, it has been classified as a Variant of Uncertain Significance. Algorithms developed to predict the effect of missense changes on protein structure and function (SIFT, PolyPhen-2, Align-GVGD) all suggest that this variant is likely to be disruptive, but these predictions have not been confirmed by published functional studies and their clinical significance is uncertain.

NM_001082971.2(DDC):c.1392G>C (p.Trp464Cys)

Gene: DDC (dopa decarboxylase; minus strand). Cytogenetic location: 7p12.2.
Variant type: single nucleotide variant.
Coding change: c.1392G>C on transcript NM_001082971.2 (MANE Select); coding-DNA position 1392, G replaced by C.
Protein change: p.Trp464Cys; replaces tryptophan 464 with cysteine.
Molecular consequence: missense variant.
Genome position (GRCh38, 1-based): chr7:50,463,282, C>G on the plus strand (G>C on the coding strand, the complement: DDC is on the minus strand). VCF-style: chr7-50463282-C-G. GRCh37 (hg19) VCF-style: chr7-50530980-C-G.
Other names: c.1392G>C, p.Trp464Cys (NM_000790.4); c.1278G>C, p.Trp426Cys (NM_001242886.2); c.1248G>C, p.Trp416Cys (NM_001242887.2); c.1158G>C, p.Trp386Cys (NM_001242888.2); c.1113G>C, p.Trp371Cys (NM_001242889.2); short protein forms W371C, W386C, W416C, W426C, W464C.
Identifiers: ClinVar variation 1008957 (VCV001008957.7), dbSNP rs372970018, ClinGen allele CA4261976.